The following is an entry in ClinVar:

ClinVar aggregate classification (germline): Uncertain significance (1 of 4 stars; one submission).

Conditions:
Hereditary spastic paraplegia 4. Also called: Spastic paraplegia 4, autosomal dominant; Spastic Paraplegia 4; Familial spastic paraplegia autosomal dominant 2. Identifiers: Orphanet 100985, MedGen C1866855, MONDO:0008438, OMIM 182601.

gnomAD v4.1: 1 of 1,581,858 alleles (0.000063%); highest among the groups gnomAD compares: South Asian, 0.0011%; no homozygotes.

Submission:

Labcorp Genetics (formerly Invitae), Labcorp
Classification: Uncertain significance for Hereditary spastic paraplegia 4. Last evaluated: 2025-07-23. Review status: criteria provided, single submitter. Criteria: Invitae Variant Classification Sherloc (09022015). Collection method: clinical testing. Allele origin: germline.
Comment: This sequence change replaces proline, which is neutral and non-polar, with leucine, which is neutral and non-polar, at codon 25 of the SPAST protein (p.Pro25Leu). This variant is not present in population databases (gnomAD no frequency). This variant has not been reported in the literature in individuals affected with SPAST-related conditions. Invitae Evidence Modeling of protein sequence and biophysical properties (such as structural, functional, and spatial information, amino acid conservation, physicochemical variation, residue mobility, and thermodynamic stability) has been performed for this missense variant. However, the output from this modeling did not meet the statistical confidence thresholds required to predict the impact of this variant on SPAST protein function. In summary, the available evidence is currently insufficient to determine the role of this variant in disease. Therefore, it has been classified as a Variant of Uncertain Significance.

NM_014946.4(SPAST):c.74C>T (p.Pro25Leu)

Gene: SPAST (spastin; plus strand). Cytogenetic location: 2p22.3.
Variant type: single nucleotide variant.
Coding change: c.74C>T on transcript NM_014946.4 (MANE Select); coding-DNA position 74, C replaced by T.
Protein change: p.Pro25Leu; replaces proline 25 with leucine.
Molecular consequence: missense variant.
Genome position (GRCh38, 1-based): chr2:32,063,905, C>T. VCF-style: chr2-32063905-C-T. GRCh37 (hg19) VCF-style: chr2-32288974-C-T.
Other names: c.74C>T, p.Pro25Leu (NM_001363823.2, NM_001363875.2, NM_001377959.1 and 1 more transcripts); short protein forms P25L.
Identifiers: ClinVar variation 4797997 (VCV004797997.1).